The following is an entry in ClinVar:

ClinVar aggregate classification (germline): Uncertain significance (1 of 4 stars; one submission).

Conditions:
Pitt-Hopkins-like syndrome 2 (PTHSL2). Identifiers: Orphanet 221150, Orphanet 600663, MedGen C3280479, MONDO:0013690, OMIM 614325.

gnomAD v4.1: 3 of 1,603,048 alleles (0.00019%); highest among the groups gnomAD compares: Non-Finnish European, 0.00025%; no homozygotes.

Submission:

Labcorp Genetics (formerly Invitae), Labcorp
Classification: Uncertain significance for Pitt-Hopkins-like syndrome 2. Last evaluated: 2025-07-06. Review status: criteria provided, single submitter. Criteria: Invitae Variant Classification Sherloc (09022015). Collection method: clinical testing. Allele origin: germline.
Comment: This sequence change replaces threonine, which is neutral and polar, with lysine, which is basic and polar, at codon 107 of the NRXN1 protein (p.Thr107Lys). The frequency data for this variant in the population databases is considered unreliable, as metrics indicate poor data quality at this position in the gnomAD database. This variant has not been reported in the literature in individuals affected with NRXN1-related conditions. ClinVar contains an entry for this variant (Variation ID: 2192276). An algorithm developed to predict the effect of missense changes on protein structure and function (PolyPhen-2) suggests that this variant is likely to be tolerated. In summary, the available evidence is currently insufficient to determine the role of this variant in disease. Therefore, it has been classified as a Variant of Uncertain Significance.

NM_001330078.2(NRXN1):c.320C>A (p.Thr107Lys)

Gene: NRXN1 (neurexin 1; minus strand). Cytogenetic location: 2p16.3.
Variant type: single nucleotide variant.
Coding change: c.320C>A on transcript NM_001330078.2 (MANE Select); coding-DNA position 320, C replaced by A.
Protein change: p.Thr107Lys; replaces threonine 107 with lysine.
Molecular consequence: missense variant.
Genome position (GRCh38, 1-based): chr2:51,027,954, G>T on the plus strand (C>A on the coding strand, the complement: NRXN1 is on the minus strand). VCF-style: chr2-51027954-G-T. GRCh37 (hg19) VCF-style: chr2-51255092-G-T.
Other names: c.320C>A, p.Thr107Lys (NM_001135659.3, NM_001330077.2, NM_001330079.2 and 15 more transcripts); short protein forms T107K.
Identifiers: ClinVar variation 2192276 (VCV002192276.4), dbSNP rs368549770, ClinGen allele CA1655519.